The following is an entry in ClinVar:

NM_000399.5(EGR2):c.457A>C (p.Thr153Pro)

Gene: EGR2 (early growth response 2; minus strand). Cytogenetic location: 10q21.3.
Variant type: single nucleotide variant.
Coding change: c.457A>C on transcript NM_000399.5 (MANE Select); coding-DNA position 457, A replaced by C.
Protein change: p.Thr153Pro; replaces threonine 153 with proline.
Molecular consequence: missense variant.
Genome position (GRCh38, 1-based): chr10:62,814,181, T>G on the plus strand (A>C on the coding strand, the complement: EGR2 is on the minus strand). VCF-style: chr10-62814181-T-G. GRCh37 (hg19) VCF-style: chr10-64573941-T-G.
Other names: c.457A>C, p.Thr153Pro (NM_001136177.3, NM_001136178.2); c.307A>C, p.Thr103Pro (NM_001136179.3, NM_001321037.2); c.457A>C (NM_000399.4); short protein forms T153P, T103P.
Identifiers: ClinVar variation 462785 (VCV000462785.42), dbSNP rs202183386, ClinGen allele CA5517273.
Genomic context (GRCh38, chr10:62,814,181, plus strand): 5'-GAGGAGGAGGCGGTGGCGGAGAGTACAGGTGGTCCAGGTCAGGCTGGGTCTGGGACATGG[T>G]GCACACACCCAGGGGTCCTGTGGCCAGTGGGTTGGGGGAGGCAGAGGTGACGCTGGATGA-3'
Protein context (NP_000390.2, residues 143-163): PLATGPLGVC[Thr153Pro]MSQTQPDLDH

ClinVar aggregate classification (germline): Conflicting classifications of pathogenicity. Review status: criteria provided, conflicting classifications (1 of 4 stars). 7 submissions from 7 submitters: Uncertain significance (3); Likely benign (3). 1 of the submissions does not count toward it. Last evaluated 2025-09-18.

Conditions:
EGR2-related disorder. Also called: EGR2-related condition.
Charcot-Marie-Tooth disease, type I (CMT1). Also called: Charcot-Marie-Tooth disease type 1; Charcot-Marie-Tooth, Type 1. Identifiers: Orphanet 65753, MedGen C0751036, MONDO:0019011.
Charcot-Marie-Tooth disease type 4E (CHN1). Also called: Hypomyelinating neuropathy, congenital, 1; CHARCOT-MARIE-TOOTH DISEASE, DEMYELINATING, TYPE 4E; Congenital Hypomyelination; HYPOMYELINATION, SEVERE CONGENITAL; Congenital hypomyelinating neuropathy 1, autosomal recessive. Identifiers: Orphanet 99951, MedGen C4721436, MONDO:0011527, OMIM 605253.
Charcot-Marie-Tooth disease type 1D. Also called: HEREDITARY MOTOR AND SENSORY NEUROPATHY 1D; HMSN ID; Charcot-Marie-Tooth disease, demyelinating, type 1d; CHARCOT-MARIE-TOOTH NEUROPATHY, TYPE 1D. Identifiers: Orphanet 101084, MedGen C1843247, MONDO:0011890, OMIM 607678.
Dejerine-Sottas disease. Also called: Charcot-Marie-Tooth disease type 3; HEREDITARY MOTOR AND SENSORY NEUROPATHY TYPE III; HMSN Type III; Hereditary motor and sensory neuropathy 3; DEJERINE-SOTTAS NEUROPATHY. Identifiers: Orphanet 64748, MedGen C0011195, MONDO:0007790, OMIM 145900.
Inborn genetic diseases. Identifiers: MedGen C0950123, MeSH D030342.

Allele frequency attached by ClinVar (database versions not stated): TOPMed 0.00011; ExAC 0.00017; gnomAD 0.00017 and 0.00018; gnomAD exomes 0.00020 and 0.00011.
gnomAD v4.1: 202 of 1,613,932 alleles (0.013%); highest among the groups gnomAD compares: Middle Eastern, 0.033%; no homozygotes.

Submissions (7):

Labcorp Genetics (formerly Invitae), Labcorp
Classification: Likely benign for Charcot-Marie-Tooth disease, type I. Last evaluated: 2025-09-18. Review status: criteria provided, single submitter. Criteria: Invitae Variant Classification Sherloc (09022015). Collection method: clinical testing. Allele origin: germline.

PreventionGenetics, part of Exact Sciences
Classification: Likely benign for EGR2-related condition. Last evaluated: 2025-09-16. Review status: criteria provided, single submitter. Criteria: ACMG Guidelines, 2015. Collection method: clinical testing. Allele origin: germline.
Comment: This variant is classified as likely benign based on ACMG/AMP sequence variant interpretation guidelines (Richards et al. 2015 PMID: 25741868, with internal and published modifications).

Fulgent Genetics
Classification: Uncertain significance for Dejerine-Sottas disease; Charcot-Marie-Tooth disease type 4E; Charcot-Marie-Tooth disease type 1D. Last evaluated: 2024-01-29. Review status: criteria provided, single submitter. Criteria: ACMG Guidelines, 2015. Collection method: clinical testing. Allele origin: germline.

CeGaT Center for Human Genetics Tuebingen
Classification: Uncertain significance. Last evaluated: 2024-01-01. Review status: criteria provided, single submitter. Criteria: CeGaT Center For Human Genetics Tuebingen Variant Classification Criteria Version 2. Collection method: clinical testing. Allele origin: germline. Affected: yes. Observed: 1 variant allele.
Comment: EGR2: PM2

Ambry Genetics
Classification: Uncertain significance for Inborn genetic diseases. Last evaluated: 2019-09-09. Review status: criteria provided, single submitter. Criteria: Ambry Variant Classification Scheme 2023. Collection method: clinical testing. Allele origin: germline.
Comment: The p.T153P variant (also known as c.457A>C), located in coding exon 2 of the EGR2 gene, results from an A to C substitution at nucleotide position 457. The threonine at codon 153 is replaced by proline, an amino acid with highly similar properties. This amino acid position is well conserved in available vertebrate species. In addition, this alteration is predicted to be tolerated by in silico analysis. Given the population frequency of this alteration, it is unlikely to cause dominant disease; however its pathogenicity for recessive disease is unknown. Since supporting evidence is limited at this time, the clinical significance of this alteration remains unclear for autosomal recessive disease.

Illumina Laboratory Services, Illumina
Classification: Likely benign for Charcot-Marie-Tooth disease type 1D. Last evaluated: 2018-01-13. Review status: criteria provided, single submitter. Criteria: ICSL Variant Classification Criteria 13 December 2019. Collection method: clinical testing. Allele origin: germline.
Comment: This variant was observed in the ICSL laboratory as part of a predisposition screen in an ostensibly healthy population. It had not been previously curated by ICSL or reported in the Human Gene Mutation Database (HGMD: prior to June 1st, 2018), and was therefore a candidate for classification through an automated scoring system. Utilizing variant allele frequency, disease prevalence and penetrance estimates, and inheritance mode, an automated score was calculated to assess if this variant is too frequent to cause the disease. Based on the score and internal cut-off values, a variant classified as likely benign is not then subjected to further curation. The score for this variant resulted in a classification of likely benign for this disease.

Department of Pathology and Laboratory Medicine, Sinai Health System
Classification: Uncertain significance. Review status: no assertion criteria provided. Collection method: clinical testing. Allele origin: unknown. Affected: yes. Study: The Canadian Open Genetics Repository (COGR). Not counted in ClinVar's aggregate classification.
Comment: The EGR2 p.Thr103Pro variant was not identified in the literature but was identified in dbSNP (ID: rs202183386) and ClinVar (classified as likely benign by Invitae). The variant was identified in control databases in 53 of 282632 chromosomes at a frequency of 0.0001875 (Genome Aggregation Database March 6, 2019, v2.1.1). The variant was observed in the following populations: Ashkenazi Jewish in 41 of 10358 chromosomes (freq: 0.003958), Other in 1 of 7216 chromosomes (freq: 0.000139), European (non-Finnish) in 10 of 129006 chromosomes (freq: 0.000078) and African in 1 of 24938 chromosomes (freq: 0.00004), but was not observed in the Latino, East Asian, European (Finnish), or South Asian populations. The p.Thr103 residue is conserved in mammals and computational analyses (PolyPhen-2, SIFT, AlignGVGD, BLOSUM, MutationTaster) provide inconsistent predictions regarding the impact to the protein; this information is not very predictive of pathogenicity. The variant occurs outside of the splicing consensus sequence and in silico or computational prediction software programs (SpliceSiteFinder, MaxEntScan, NNSPLICE, GeneSplicer) do not predict a difference in splicing. In summary, based on the above information the clinical significance of this variant cannot be determined with certainty at this time. This variant is classified as a variant of uncertain significance.